The following is an entry in ClinVar:

NM_133178.4(PTPRU):c.813C>T (p.Gly271=)

Gene: PTPRU (protein tyrosine phosphatase receptor type U; plus strand). Cytogenetic location: 1p35.3.
Variant type: single nucleotide variant.
Coding change: c.813C>T on transcript NM_133178.4 (MANE Select); coding-DNA position 813, C replaced by T.
Protein change: p.Gly271=; no amino-acid change (glycine 271 retained).
Molecular consequence: synonymous variant.
Genome position (GRCh38, 1-based): chr1:29,260,007, C>T. VCF-style: chr1-29260007-C-T. GRCh37 (hg19) VCF-style: chr1-29586519-C-T.
Other names: c.813C>T, p.Gly271= (NM_001195001.2, NM_005704.5, NM_133177.4).
Identifiers: ClinVar variation 4995881 (VCV004995881.1).

ClinVar aggregate classification (germline): Likely benign (1 of 4 stars; one submission).

Conditions:
PTPRU-related disorder. Also called: PTPRU-related condition.

gnomAD v4.1: 181 of 1,484,662 alleles (0.012%); highest among the groups gnomAD compares: East Asian, 0.41%; 2 homozygotes.

Submission:

PreventionGenetics, part of Exact Sciences
Classification: Likely benign for PTPRU-related condition. Last evaluated: 2025-06-27. Review status: criteria provided, single submitter. Criteria: ACMG Guidelines, 2015. Collection method: clinical testing. Allele origin: germline.
Comment: This variant is classified as likely benign based on ACMG/AMP sequence variant interpretation guidelines (Richards et al. 2015 PMID: 25741868, with internal and published modifications).